The following is an entry in ClinVar:

ClinVar aggregate classification (germline): Uncertain significance (1 of 4 stars; one submission).

Allele frequency attached by ClinVar (database versions not stated): gnomAD exomes below 0.00001.

Submission:

Labcorp Genetics (formerly Invitae), Labcorp
Classification: Uncertain significance. Last evaluated: 2022-02-20. Review status: criteria provided, single submitter. Criteria: Invitae Variant Classification Sherloc (09022015). Collection method: clinical testing. Allele origin: germline.
Comment: In summary, the available evidence is currently insufficient to determine the role of this variant in disease. Therefore, it has been classified as a Variant of Uncertain Significance. Algorithms developed to predict the effect of missense changes on protein structure and function output the following: SIFT: "Tolerated"; PolyPhen-2: "Benign"; Align-GVGD: "Class C0". The asparagine amino acid residue is found in multiple mammalian species, which suggests that this missense change does not adversely affect protein function. This variant has not been reported in the literature in individuals affected with THBD-related conditions. This variant is not present in population databases (gnomAD no frequency). This sequence change replaces aspartic acid, which is acidic and polar, with asparagine, which is neutral and polar, at codon 53 of the THBD protein (p.Asp53Asn).

NM_000361.3(THBD):c.157G>A (p.Asp53Asn)

Gene: THBD (thrombomodulin; minus strand). Cytogenetic location: 20p11.21.
Variant type: single nucleotide variant.
Coding change: c.157G>A on transcript NM_000361.3 (MANE Select); coding-DNA position 157, G replaced by A.
Protein change: p.Asp53Asn; replaces aspartic acid 53 with asparagine.
Molecular consequence: missense variant.
Genome position (GRCh38, 1-based): chr20:23,049,348, C>T on the plus strand (G>A on the coding strand, the complement: THBD is on the minus strand). VCF-style: chr20-23049348-C-T. GRCh37 (hg19) VCF-style: chr20-23029985-C-T.
Other names: short protein forms D53N.
Identifiers: ClinVar variation 1969363 (VCV001969363.5), dbSNP rs1023893910, ClinGen allele CA313552462.